The following is an entry in ClinVar:

ClinVar aggregate classification (germline): Likely benign. Review status: reviewed by expert panel (3 of 4 stars). 4 submissions from 4 submitters: Likely benign (1). 3 of the submissions do not count toward it. Last evaluated 2024-09-18.

Conditions:
Hereditary thrombocytopenia and hematologic cancer predisposition syndrome. Identifiers: Orphanet 71290, MedGen CN281654, MONDO:0011071.
Inborn genetic diseases. Identifiers: MedGen C0950123, MeSH D030342.
Hereditary thrombocytopenia and hematological cancer predisposition syndrome associated with RUNX1. Also called: Familial Platelet Disorder with Propensity to Acute Myelogenous Leukemia; Familial thrombocytopenia with propensity to acute myelogenous leukemia; PLATELET DISORDER, ASPIRIN-LIKE; RUNX1 Familial Platelet Disorder with Associated Myeloid Malignancies. Identifiers: Orphanet 71290, MedGen C1832388, MeSH C563324, MONDO:0100083, OMIM 601399.

Allele frequency attached by ClinVar (database versions not stated): ExAC 0.00001.

Submissions (4):

ClinGen Myeloid Malignancy Variant Curation Expert Panel
Classification: Likely benign for Hereditary thrombocytopenia and hematologic cancer predisposition syndrome. Last evaluated: 2024-09-18. Review status: reviewed by expert panel. Criteria: ClinGen MyeloMalig ACMG Specifications v2. Collection method: curation. Allele origin: germline. Inheritance: Autosomal dominant inheritance.
Comment: NM_001754.5(RUNX1):c.720A>C (p.Pro240=) is a synonymous variant which has a SpliceAI score ≤ 0.20 (0.02) (BP4). This variant has a SpliceAI score ≤ 0.20 (0.02) and evolutionary conservation algorithms predict the site as being not conserved (PhyloP score ≤ 2.0 (-0.04) (BP7). This variant is completely absent from all population databases with at least 20x coverage for RUNX1 (PM2_Supporting). In summary, this variant meets criteria to be classified as likely benign. ACMG/AMP criteria applied, as specified by the Myeloid Malignancy Variant Curation Expert Panel for RUNX1: BP4, BP7, PM2_supporting.

Ambry Genetics
Classification: Likely benign for Inborn genetic diseases. Last evaluated: 2025-06-19. Review status: criteria provided, single submitter. Criteria: Ambry Variant Classification Scheme 2023. Collection method: clinical testing. Allele origin: germline. Not counted in ClinVar's aggregate classification.

Blueprint Genetics
Classification: Likely benign. Last evaluated: 2024-08-22. Review status: criteria provided, single submitter. Criteria: ACMG Guidelines, 2015. Collection method: clinical testing. Allele origin: germline. Not counted in ClinVar's aggregate classification.

Labcorp Genetics (formerly Invitae), Labcorp
Classification: Likely benign for Hereditary thrombocytopenia and hematological cancer predisposition syndrome associated with RUNX1. Last evaluated: 2023-03-14. Review status: criteria provided, single submitter. Criteria: Invitae Variant Classification Sherloc (09022015). Collection method: clinical testing. Allele origin: germline. Not counted in ClinVar's aggregate classification.

NM_001754.5(RUNX1):c.720A>C (p.Pro240=)

Gene: RUNX1 (RUNX family transcription factor 1; minus strand). Cytogenetic location: 21q22.12.
Variant type: single nucleotide variant.
Coding change: c.720A>C on transcript NM_001754.5 (MANE Select); coding-DNA position 720, A replaced by C.
Protein change: p.Pro240=; no amino-acid change (proline 240 retained).
Molecular consequence: synonymous variant.
Genome position (GRCh38, 1-based): chr21:34,834,495, T>G on the plus strand (A>C on the coding strand, the complement: RUNX1 is on the minus strand). VCF-style: chr21-34834495-T-G. GRCh37 (hg19) VCF-style: chr21-36206792-T-G.
Other names: NM_001754.5(RUNX1):c.720A>C; p.Pro240=; c.639A>C, p.Pro213= (NM_001001890.3, NM_001122607.2).
Identifiers: ClinVar variation 2888323 (VCV002888323.6), dbSNP rs748771460, ClinGen allele CA10014367.